The following is an entry in ClinVar:

ClinVar aggregate classification (germline): Uncertain significance. Review status: criteria provided, multiple submitters, no conflicts (2 of 4 stars). 3 submissions from 3 submitters: Uncertain significance (3). Last evaluated 2025-12-10.

Conditions:
Hereditary cancer-predisposing syndrome. Also called: Neoplastic Syndromes, Hereditary; Hereditary neoplastic syndrome; Tumor predisposition; Hereditary Cancer Syndrome. Identifiers: Orphanet 140162, MedGen C0027672, MeSH D009386, MONDO:0015356.
POLD1-related polyposis and colorectal cancer syndrome (CRCS10). Also called: Colorectal cancer 10; COLORECTAL CANCER, SUSCEPTIBILITY TO, ON CHROMOSOME 19q; Colorectal cancer, susceptibility to, 10. Identifiers: Orphanet 220460, MedGen C2675481, MONDO:0012953, OMIM 612591.

Submissions (3):

Ambry Genetics
Classification: Uncertain significance for Hereditary cancer-predisposing syndrome. Last evaluated: 2025-12-10. Review status: criteria provided, single submitter. Criteria: Ambry Variant Classification Scheme 2023. Collection method: clinical testing. Allele origin: germline.
Comment: The c.2309_2310delAG variant, located in coding exon 18 of the POLD1 gene, results from a deletion of two nucleotides at nucleotide positions 2309 to 2310, causing a translational frameshift with a predicted alternate stop codon (p.E770Gfs*25). This alteration is expected to result in loss of function by premature protein truncation or nonsense-mediated mRNA decay. However, loss of function has not been established as a mechanism of disease. Based on the available evidence, the clinical significance of this alteration remains unclear.

Labcorp Genetics (formerly Invitae), Labcorp
Classification: Uncertain significance for POLD1-related polyposis and colorectal cancer syndrome. Last evaluated: 2025-05-25. Review status: criteria provided, single submitter. Criteria: Invitae Variant Classification Sherloc (09022015). Collection method: clinical testing. Allele origin: germline.
Comment: This sequence change creates a premature translational stop signal (p.Glu770Glyfs*25) in the POLD1 gene. Missense variants that disrupt the 3'-5' exonuclease (proof-reading) activity of the POLD1 protein are associated with PPAP (polymerase proofreading–associated polyposis) (PMID: 23263490, 23447401). However, loss-of-function variants that result in an absent or severely disrupted POLD1 protein, and missense variants outside the exonuclease domain, are unlikely to be associated with PPAP. This variant is not present in population databases (gnomAD no frequency). This variant has not been reported in the literature in individuals affected with POLD1-related conditions. ClinVar contains an entry for this variant (Variation ID: 420528). In summary, the available evidence is currently insufficient to determine the role of this variant in disease. Therefore, it has been classified as a Variant of Uncertain Significance.

GeneDx
Classification: Uncertain significance. Last evaluated: 2016-02-16. Review status: criteria provided, single submitter. Criteria: GeneDx Variant Classification (06012015). Collection method: clinical testing. Allele origin: germline. Affected: yes.
Comment: This deletion of 2 nucleotides in POLD1 is denoted c.2309_2310delAG at the cDNA level and p.Glu770GlyfsX25 (E770GfsX25) at the protein level. The normal sequence, with the bases that are deleted in braces, is GCTG[AG]GCGA. The deletion causes a frameshift which changes a Glutamic Acid to a Glycine at codon 770, and creates a premature stop codon at position 25 of the new reading frame. Although this variant has not, to our knowledge, been reported in the literature, it is predicted to cause loss of normal protein function through either protein truncation or nonsense-mediated mRNA decay. This variant has not, to our knowledge, been published in the literature. While some missense variants have been recognized as an underlying cause of Polymerase Proofreading-Associated Polyposis (PPAP), there are no data at this time to support that loss-of-function variants confer the same cancer risks. We therefore consider POLD1 c.2309_2310delAG to be a variant of unknown significance with respect to cancer.

Literature cited by the submitters: PubMed 23263490 (cited by Labcorp Genetics (formerly Invitae), Labcorp); PubMed 23447401 (cited by Labcorp Genetics (formerly Invitae), Labcorp).

NM_002691.4(POLD1):c.2309_2310del (p.Glu770fs)

Gene: POLD1 (DNA polymerase delta 1, catalytic subunit; plus strand). Cytogenetic location: 19q13.33.
Variant type: Deletion.
Coding change: c.2309_2310del on transcript NM_002691.4 (MANE Select); coding-DNA positions 2309 to 2310, 2 bases deleted (AG; older notation c.2309_2310delAG).
Protein change: p.Glu770fs; shifts the reading frame from glutamic acid 770.
Molecular consequence: frameshift variant. On other transcripts: non-coding transcript variant (1).
Genome position (GRCh38, 1-based): chr19:50,413,800-50,413,801, AG deleted; deleting any 2 consecutive bases within chr19:50,413,799-50,413,801 gives the same sequence; the c. name uses the placement nearest the transcript's 3' end. VCF-style (leftmost placement, unchanged base first): chr19-50413798-TGA-T. GRCh37 (hg19) VCF-style: chr19-50917055-TGA-T.
Other names: c.2309_2310del, p.Glu770fs (NM_001256849.1); c.2387_2388del, p.Glu796fs (NM_001308632.1); c.2309_2310delAG (NM_002691.2); short protein forms E770fs, E796fs.
Identifiers: ClinVar variation 420528 (VCV000420528.11), dbSNP rs1064794537, ClinGen allele CA16620895.
Genomic context (GRCh38, chr19:50,413,798, plus strand): 5'-GCAGGTGGTGTATGGTGACACTGACTCCGTCATGTGCCGATTCGGCGTGTCCTCGGTGGC[TGA>T]GGCGATGGCCCTGGGGCGGGAGGCCGCGGACTGGGTGTCAGGTCACTTCCCGTCGCCCAT-3'